The following is an entry in ClinVar:

NM_015311.3(OBSL1):c.3061C>G (p.Arg1021Gly)

Gene: OBSL1 (obscurin like cytoskeletal adaptor 1; minus strand). Cytogenetic location: 2q35.
Variant type: single nucleotide variant.
Coding change: c.3061C>G on transcript NM_015311.3 (MANE Select); coding-DNA position 3061, C replaced by G.
Protein change: p.Arg1021Gly; replaces arginine 1021 with glycine.
Molecular consequence: missense variant.
Genome position (GRCh38, 1-based): chr2:219,559,390, G>C on the plus strand (C>G on the coding strand, the complement: OBSL1 is on the minus strand). VCF-style: chr2-219559390-G-C. GRCh37 (hg19) VCF-style: chr2-220424112-G-C.
Other names: c.3061C>G, p.Arg1021Gly (NM_001173431.2); c.3061C>G (NM_015311.2); short protein forms R1021G.
Identifiers: ClinVar variation 1921868 (VCV001921868.3), dbSNP rs555893343, ClinGen allele CA2130978.

ClinVar aggregate classification (germline): Uncertain significance. Review status: criteria provided, multiple submitters, no conflicts (2 of 4 stars). 2 submissions from 2 submitters: Uncertain significance (2). Last evaluated 2024-04-01.

Conditions:
Inborn genetic diseases. Identifiers: MedGen C0950123, MeSH D030342.

gnomAD v4.1: 25 of 1,613,740 alleles (0.0015%); highest among the groups gnomAD compares: Non-Finnish European, 0.0021%; no homozygotes.

Submissions (2):

Ambry Genetics
Classification: Uncertain significance for Inborn genetic diseases. Last evaluated: 2024-04-01. Review status: criteria provided, single submitter. Criteria: Ambry Variant Classification Scheme 2023. Collection method: clinical testing. Allele origin: germline.

Labcorp Genetics (formerly Invitae), Labcorp
Classification: Uncertain significance. Last evaluated: 2022-03-13. Review status: criteria provided, single submitter. Criteria: Invitae Variant Classification Sherloc (09022015). Collection method: clinical testing. Allele origin: germline.
Comment: This sequence change replaces arginine, which is basic and polar, with glycine, which is neutral and non-polar, at codon 1021 of the OBSL1 protein (p.Arg1021Gly). This variant is present in population databases (rs555893343, gnomAD 0.003%). This variant has not been reported in the literature in individuals affected with OBSL1-related conditions. Algorithms developed to predict the effect of missense changes on protein structure and function are either unavailable or do not agree on the potential impact of this missense change (SIFT: "Tolerated"; PolyPhen-2: "Possibly Damaging"; Align-GVGD: "Class C0"). In summary, the available evidence is currently insufficient to determine the role of this variant in disease. Therefore, it has been classified as a Variant of Uncertain Significance.